The following is an entry in ClinVar:

ClinVar aggregate classification (germline): Uncertain significance. Review status: criteria provided, multiple submitters, no conflicts (2 of 4 stars). 2 submissions from 2 submitters: Uncertain significance (2). Last evaluated 2021-07-04.

Conditions:
Familial melanoma. Also called: Hereditary melanoma; Hereditary cutaneous melanoma. Identifiers: Orphanet 618, MedGen C1512419, MONDO:0018961.
Hereditary cancer-predisposing syndrome. Also called: Neoplastic Syndromes, Hereditary; Tumor predisposition; Hereditary Cancer Syndrome; Hereditary neoplastic syndrome. Identifiers: Orphanet 140162, MedGen C0027672, MeSH D009386, MONDO:0015356.

Submissions (2):

Labcorp Genetics (formerly Invitae), Labcorp
Classification: Uncertain significance for Familial melanoma. Last evaluated: 2021-07-04. Review status: criteria provided, single submitter. Criteria: Invitae Variant Classification Sherloc (09022015). Collection method: clinical testing. Allele origin: germline.
Comment: This sequence change replaces glycine with arginine at codon 247 of the CDK4 protein (p.Gly247Arg). The glycine residue is moderately conserved and there is a moderate physicochemical difference between glycine and arginine. This variant is not present in population databases (ExAC no frequency). In summary, the available evidence is currently insufficient to determine the role of this variant in disease. Therefore, it has been classified as a Variant of Uncertain Significance. Algorithms developed to predict the effect of sequence changes on RNA splicing suggest that this variant may create or strengthen a splice site. Advanced modeling of protein sequence and biophysical properties (such as structural, functional, and spatial information, amino acid conservation, physicochemical variation, residue mobility, and thermodynamic stability) performed at Invitae indicates that this missense variant is not expected to disrupt CDK4 protein function. ClinVar contains an entry for this variant (Variation ID: 483318). This variant has not been reported in the literature in individuals affected with CDK4-related conditions.

Ambry Genetics
Classification: Uncertain significance for Hereditary cancer-predisposing syndrome. Last evaluated: 2020-06-22. Review status: criteria provided, single submitter. Criteria: Ambry Variant Classification Scheme 2023. Collection method: clinical testing. Allele origin: germline.
Comment: The p.G247R variant (also known as c.739G>A), located in coding exon 6 of the CDK4 gene, results from a G to A substitution at nucleotide position 739. The glycine at codon 247 is replaced by arginine, an amino acid with dissimilar properties. This amino acid position is not well conserved in available vertebrate species. In addition, this alteration is predicted to be tolerated by in silico analysis. Since supporting evidence is limited at this time, the clinical significance of this alteration remains unclear.

NM_000075.4(CDK4):c.739G>A (p.Gly247Arg)

Genes: CDK4 (cyclin dependent kinase 4; minus strand), TSPAN31 (tetraspanin 31; plus strand). Cytogenetic location: 12q14.1.
Variant type: single nucleotide variant.
Coding change: c.739G>A on transcript NM_000075.4 (MANE Select); coding-DNA position 739, G replaced by A.
Protein change: p.Gly247Arg; replaces glycine 247 with arginine.
Molecular consequence: missense variant. On other transcripts: 3 prime UTR variant (3).
Genome position (GRCh38, 1-based): chr12:57,749,262, C>T on the plus strand (G>A on the coding strand, the complement: CDK4 is on the minus strand). VCF-style: chr12-57749262-C-T. GRCh37 (hg19) VCF-style: chr12-58143045-C-T.
Other names: c.*1972C>T (NM_001330168.2, NM_001330169.2, NM_005981.5); short protein forms G247R.
Identifiers: ClinVar variation 483318 (VCV000483318.13), dbSNP rs1555201101, ClinGen allele CA385543413.